The following is an entry in ClinVar:

NM_005585.5(SMAD6):c.362G>C (p.Cys121Ser)

Gene: SMAD6 (SMAD family member 6; plus strand). Cytogenetic location: 15q22.31.
Variant type: single nucleotide variant.
Coding change: c.362G>C on transcript NM_005585.5 (MANE Select); coding-DNA position 362, G replaced by C.
Protein change: p.Cys121Ser; replaces cysteine 121 with serine.
Molecular consequence: missense variant. On other transcripts: non-coding transcript variant (1).
Genome position (GRCh38, 1-based): chr15:66,703,620, G>C. VCF-style: chr15-66703620-G-C. GRCh37 (hg19) VCF-style: chr15-66995958-G-C.
Other names: short protein forms C121S.
Identifiers: ClinVar variation 4695404 (VCV004695404.1).
Genomic context (GRCh38, chr15:66,703,620, plus strand): 5'-GGAGCTCCCTGCTGGACGTGGCGGAGCCGGGAGGCCCGGGCTGGCTGCCCGAGAGTGACT[G>C]CGAGACGGTGACCTGCTGTCTCTTTTCGGAGCGGGACGCCGCCGGCGCGCCCCGGGACGC-3'
Protein context (NP_005576.3, residues 111-131): GGPGWLPESD[Cys121Ser]ETVTCCLFSE

ClinVar aggregate classification (germline): Uncertain significance (1 of 4 stars; one submission).

Conditions:
Aortic valve disease 2 (AOVD2). Identifiers: MedGen C3542024, MONDO:0013902, OMIM 614823.

Submission:

Labcorp Genetics (formerly Invitae), Labcorp
Classification: Uncertain significance for Aortic valve disease 2. Last evaluated: 2025-09-23. Review status: criteria provided, single submitter. Criteria: Invitae Variant Classification Sherloc (09022015). Collection method: clinical testing. Allele origin: germline.
Comment: This sequence change replaces cysteine, which is neutral and slightly polar, with serine, which is neutral and polar, at codon 121 of the SMAD6 protein (p.Cys121Ser). This variant is not present in population databases (gnomAD no frequency). This variant has not been reported in the literature in individuals affected with SMAD6-related conditions. An algorithm developed to predict the effect of missense changes on protein structure and function (PolyPhen-2) suggests that this variant is likely to be tolerated. In summary, the available evidence is currently insufficient to determine the role of this variant in disease. Therefore, it has been classified as a Variant of Uncertain Significance.